The following is an entry in ClinVar:

ClinVar aggregate classification (germline): Uncertain significance (1 of 4 stars; one submission).

Allele frequency attached by ClinVar (database versions not stated): TOPMed below 0.00001; gnomAD exomes 0.00001; ExAC 0.00002.
gnomAD v4.1: 6 of 1,614,204 alleles (0.00037%); highest among the groups gnomAD compares: Admixed American, 0.01%; no homozygotes.

Submission:

Labcorp Genetics (formerly Invitae), Labcorp
Classification: Uncertain significance. Last evaluated: 2022-05-20. Review status: criteria provided, single submitter. Criteria: Invitae Variant Classification Sherloc (09022015). Collection method: clinical testing. Allele origin: germline.
Comment: This variant has not been reported in the literature in individuals affected with ARHGAP31-related conditions. In summary, the available evidence is currently insufficient to determine the role of this variant in disease. Therefore, it has been classified as a Variant of Uncertain Significance. Algorithms developed to predict the effect of missense changes on protein structure and function are either unavailable or do not agree on the potential impact of this missense change (SIFT: "Tolerated"; PolyPhen-2: "Probably Damaging"; Align-GVGD: "Class C0"). This variant is present in population databases (rs752608900, gnomAD 0.01%). This sequence change replaces serine, which is neutral and polar, with proline, which is neutral and non-polar, at codon 518 of the ARHGAP31 protein (p.Ser518Pro).

NM_020754.4(ARHGAP31):c.1552T>C (p.Ser518Pro)

Gene: ARHGAP31 (Rho GTPase activating protein 31; plus strand). Cytogenetic location: 3q13.33.
Variant type: single nucleotide variant.
Coding change: c.1552T>C on transcript NM_020754.4 (MANE Select); coding-DNA position 1552, T replaced by C.
Protein change: p.Ser518Pro; replaces serine 518 with proline.
Molecular consequence: missense variant.
Genome position (GRCh38, 1-based): chr3:119,402,304, T>C. VCF-style: chr3-119402304-T-C. GRCh37 (hg19) VCF-style: chr3-119121151-T-C.
Other names: short protein forms S518P.
Identifiers: ClinVar variation 1959147 (VCV001959147.5), dbSNP rs752608900, ClinGen allele CA2553844.